The following is an entry in ClinVar:

ClinVar aggregate classification (germline): Uncertain significance (1 of 4 stars; one submission).

gnomAD v4.1: 1 of 1,524,408 alleles (0.000066%); highest among the groups gnomAD compares: African/African-American, 0.0014%; no homozygotes.

Submission:

Labcorp Genetics (formerly Invitae), Labcorp
Classification: Uncertain significance. Last evaluated: 2022-08-23. Review status: criteria provided, single submitter. Criteria: Invitae Variant Classification Sherloc (09022015). Collection method: clinical testing. Allele origin: germline.
Comment: This sequence change replaces proline, which is neutral and non-polar, with leucine, which is neutral and non-polar, at codon 6 of the ZNF469 protein (p.Pro6Leu). This variant is not present in population databases (gnomAD no frequency). This variant has not been reported in the literature in individuals affected with ZNF469-related conditions. Algorithms developed to predict the effect of missense changes on protein structure and function are either unavailable or do not agree on the potential impact of this missense change (SIFT: "Deleterious"; PolyPhen-2: "Probably Damaging"; Align-GVGD: "Class C0"). In summary, the available evidence is currently insufficient to determine the role of this variant in disease. Therefore, it has been classified as a Variant of Uncertain Significance.

NM_001367624.2(ZNF469):c.17C>T (p.Pro6Leu)

Gene: ZNF469 (zinc finger protein 469; plus strand). Cytogenetic location: 16q24.2.
Variant type: single nucleotide variant.
Coding change: c.17C>T on transcript NM_001367624.2 (MANE Select); coding-DNA position 17, C replaced by T.
Protein change: p.Pro6Leu; replaces proline 6 with leucine.
Molecular consequence: missense variant.
Genome position (GRCh38, 1-based): chr16:88,427,487, C>T. VCF-style: chr16-88427487-C-T. GRCh37 (hg19) VCF-style: chr16-88493895-C-T.
Other names: short protein forms P6L.
Identifiers: ClinVar variation 2049190 (VCV002049190.4), dbSNP rs1358851048, ClinGen allele CA397057270.